The following is an entry in ClinVar:

NM_000435.3(NOTCH3):c.953G>A (p.Cys318Tyr)

Gene: NOTCH3 (notch receptor 3; minus strand). Cytogenetic location: 19p13.12.
Variant type: single nucleotide variant.
Coding change: c.953G>A on transcript NM_000435.3 (MANE Select); coding-DNA position 953, G replaced by A.
Protein change: p.Cys318Tyr; replaces cysteine 318 with tyrosine.
Molecular consequence: missense variant.
Genome position (GRCh38, 1-based): chr19:15,191,507, C>T on the plus strand (G>A on the coding strand, the complement: NOTCH3 is on the minus strand). VCF-style: chr19-15191507-C-T. GRCh37 (hg19) VCF-style: chr19-15302318-C-T.
Other names: short protein forms C318Y.
Identifiers: ClinVar variation 585614 (VCV000585614.9), dbSNP rs1568361404, ClinGen allele CA404531040.

ClinVar aggregate classification (germline): Conflicting classifications of pathogenicity. Review status: criteria provided, conflicting classifications (1 of 4 stars). 4 submissions from 4 submitters: Pathogenic (2); Likely pathogenic (1); Uncertain significance (1). Last evaluated 2025-10-21.

Conditions:
Cerebral arteriopathy, autosomal dominant, with subcortical infarcts and leukoencephalopathy, type 1 (CADASIL1). Also called: CADASIL 1; CASIL; Cerebral arteriopathy with subcortical infarcts and leukoencephalopathy 1; DEMENTIA, HEREDITARY MULTIINFARCT TYPE. Identifiers: Orphanet 136, MedGen C4551768, MONDO:0000914, OMIM 125310.

Submissions (4):

NHS Central & South Genomic Laboratory Hub
Classification: Pathogenic for CADASIL. Last evaluated: 2025-10-21. Review status: criteria provided, single submitter. Criteria: ACMG Guidelines, 2015. Collection method: clinical testing. Allele origin: germline. Affected: yes.

Labcorp Genetics (formerly Invitae), Labcorp
Classification: Uncertain significance. Last evaluated: 2022-11-29. Review status: criteria provided, single submitter. Criteria: Invitae Variant Classification Sherloc (09022015). Collection method: clinical testing. Allele origin: germline.
Comment: Advanced modeling of protein sequence and biophysical properties (such as structural, functional, and spatial information, amino acid conservation, physicochemical variation, residue mobility, and thermodynamic stability) performed at Invitae indicates that this missense variant is expected to disrupt NOTCH3 protein function. ClinVar contains an entry for this variant (Variation ID: 585614). This missense change has been observed in individual(s) with clinical features or family history of NOTCH3-related conditions (PMID: 32765252; Invitae). This variant is not present in population databases (gnomAD no frequency). This sequence change replaces cysteine, which is neutral and slightly polar, with tyrosine, which is neutral and polar, at codon 318 of the NOTCH3 protein (p.Cys318Tyr). This variant disrupts the p.Cys318 amino acid residue in NOTCH3. Other variant(s) that disrupt this residue have been observed in individuals with NOTCH3-related conditions (PMID: 30402942; Invitae), which suggests that this may be a clinically significant amino acid residue. In summary, the available evidence is currently insufficient to determine the role of this variant in disease. Therefore, it has been classified as a Variant of Uncertain Significance.

Athena Diagnostics
Classification: Pathogenic. Last evaluated: 2022-10-03. Review status: criteria provided, single submitter. Criteria: Athena Diagnostics Criteria. Collection method: clinical testing. Allele origin: unknown.
Comment: This variant has been identified in at least one individual with clinical features of CADASIL. At least one other missense variant at this codon is considered to be pathogenic or likely pathogenic, suggesting this variant may also cause disease. This variant has not been reported in large, multi-ethnic general populations. This variant alters a critical location within the protein, and is expected to severely affect function and cause disease. Greater than 90% of NOTCH3 pathogenic variants associated with CADASIL involve the gain or loss of a cysteine residue within the epidermal growth factor (EGF)-like repeat domain (PMID: 32457593, 20301673).

Clinical Genetics Service, Universitary Hospital 12 de Octubre
Classification: Likely pathogenic for Cerebral arteriopathy, autosomal dominant, with subcortical infarcts and leukoencephalopathy, type 1. Review status: criteria provided, single submitter. Criteria: ACMG Guidelines, 2015. Collection method: clinical testing. Allele origin: germline. Affected: yes.

Literature cited by the submitters: PubMed 32765252 (cited by Labcorp Genetics (formerly Invitae), Labcorp and Athena Diagnostics); PubMed 30402942 (cited by Labcorp Genetics (formerly Invitae), Labcorp).